The following is an entry in ClinVar:

ClinVar aggregate classification (germline): Likely benign. Review status: criteria provided, multiple submitters, no conflicts (2 of 4 stars). 2 submissions from 2 submitters: Likely benign (2). Last evaluated 2018-01-13.

Conditions:
Cleft palate with or without ankyloglossia, X-linked. Identifiers: Orphanet 324601, MedGen C1844830, MONDO:0010560, OMIM 303400.

Allele frequency attached by ClinVar (database versions not stated): 1000 Genomes Project 0.00079; 1000 Genomes Project 30x 0.00083; TOPMed 0.00093; gnomAD exomes 0.00006 and 0.00013; ExAC 0.00023; ESP Exome Variant Server 0.00047; gnomAD 0.00070 and 0.00075.
gnomAD v4.1: 150 of 1,209,886 alleles (0.012%); highest among the groups gnomAD compares: African/African-American, 0.2%; no homozygotes.

Submissions (2):

Illumina Laboratory Services, Illumina
Classification: Likely benign for Cleft palate with or without ankyloglossia, X-linked. Last evaluated: 2018-01-13. Review status: criteria provided, single submitter. Criteria: ICSL Variant Classification Criteria 13 December 2019. Collection method: clinical testing. Allele origin: germline.
Comment: This variant was observed in the ICSL laboratory as part of a predisposition screen in an ostensibly healthy population. It had not been previously curated by ICSL or reported in the Human Gene Mutation Database (HGMD: prior to June 1st, 2018), and was therefore a candidate for classification through an automated scoring system. Utilizing variant allele frequency, disease prevalence and penetrance estimates, and inheritance mode, an automated score was calculated to assess if this variant is too frequent to cause the disease. Based on the score and internal cut-off values, a variant classified as likely benign is not then subjected to further curation. The score for this variant resulted in a classification of likely benign for this disease.

Labcorp Genetics (formerly Invitae), Labcorp
Classification: Likely benign. Last evaluated: 2017-06-26. Review status: criteria provided, single submitter. Criteria: Invitae Variant Classification Sherloc (09022015). Collection method: clinical testing. Allele origin: germline.

NM_001109878.2(TBX22):c.1090C>T (p.Leu364=)

Gene: TBX22 (T-box transcription factor 22). Cytogenetic location: Xq21.1.
Variant type: single nucleotide variant.
Coding change: c.1090C>T on transcript NM_001109878.2 (MANE Select); coding-DNA position 1090, C replaced by T.
Protein change: p.Leu364=; no amino-acid change (leucine 364 retained).
Molecular consequence: synonymous variant.
Genome position (GRCh38, 1-based): chrX:80,030,638, C>T. VCF-style: chrX-80030638-C-T. GRCh37 (hg19) VCF-style: chrX-79286137-C-T.
Other names: c.730C>T, p.Leu244= (NM_001109879.2, NM_001303475.1); c.1090C>T, p.Leu364= (NM_016954.2).
Identifiers: ClinVar variation 780710 (VCV000780710.7), dbSNP rs147281246, ClinGen allele CA10461371.